The following is an entry in ClinVar:

ClinVar aggregate classification (germline): Uncertain significance (1 of 4 stars; one submission).

Conditions:
Congenital muscular hypertrophy-cerebral syndrome (CDLS2). Also called: SMC1A-Related Cornelia de Lange Syndrome; Cornelia de Lange syndrome 2. Identifiers: Orphanet 199, MedGen C1802395, MONDO:0010370, OMIM 300590.

Submission:

Labcorp Genetics (formerly Invitae), Labcorp
Classification: Uncertain significance for Congenital muscular hypertrophy-cerebral syndrome. Last evaluated: 2022-03-19. Review status: criteria provided, single submitter. Criteria: Invitae Variant Classification Sherloc (09022015). Collection method: clinical testing. Allele origin: germline.
Comment: This variant, c.744_755del, results in the deletion of 4 amino acid(s) of the SMC1A protein (p.Glu248_Lys251del), but otherwise preserves the integrity of the reading frame. This variant is not present in population databases (gnomAD no frequency). This variant has not been reported in the literature in individuals affected with SMC1A-related conditions. Experimental studies and prediction algorithms are not available or were not evaluated, and the functional significance of this variant is currently unknown. In summary, the available evidence is currently insufficient to determine the role of this variant in disease. Therefore, it has been classified as a Variant of Uncertain Significance.

NM_006306.4(SMC1A):c.744_755del (p.Glu248_Lys251del)

Gene: SMC1A (structural maintenance of chromosomes 1A; minus strand). Cytogenetic location: Xp11.22.
Variant type: Deletion.
Coding change: c.744_755del on transcript NM_006306.4 (MANE Select); coding-DNA positions 744 to 755, 12 bases deleted (GATCGAGAAGGA).
Protein change: p.Glu248_Lys251del.
Molecular consequence: inframe deletion.
Genome position (GRCh38, 1-based): chrX:53,412,999-53,413,010, TCCTTCTCGATC deleted on the plus strand (GATCGAGAAGGA on the coding strand, the reverse complement: SMC1A is on the minus strand); deleting any 12 consecutive bases within chrX:53,412,999-53,413,015 gives the same sequence; the c. name uses the placement nearest the transcript's 3' end. VCF-style (leftmost placement, unchanged base first): chrX-53412998-GTCCTTCTCGATC-G. GRCh37 (hg19) VCF-style: chrX-53439948-GTCCTTCTCGATC-G.
Other names: c.678_689del, p.Glu226_Lys229del (NM_001281463.1).
Identifiers: ClinVar variation 1360569 (VCV001360569.8), dbSNP rs2146605357, ClinGen allele CA2573159052.